The following is an entry in ClinVar:

ClinVar aggregate classification (germline): Uncertain significance (1 of 4 stars; one submission).

Conditions:
Cardiovascular phenotype. Identifiers: MedGen CN230736.

Submission:

Ambry Genetics
Classification: Uncertain significance for Cardiovascular phenotype. Last evaluated: 2026-02-19. Review status: criteria provided, single submitter. Criteria: Ambry Variant Classification Scheme 2023. Collection method: clinical testing. Allele origin: germline.
Comment: The p.S1989Y variant (also known as c.5966C>A), located in coding exon 38 of the ANK2 gene, results from a C to A substitution at nucleotide position 5966. The serine at codon 1989 is replaced by tyrosine, an amino acid with dissimilar properties. This amino acid position is conserved. In addition, this alteration is predicted to be deleterious by in silico analysis. Based on the available evidence, the clinical significance of this variant remains unclear.

NM_001148.6(ANK2):c.5966C>A (p.Ser1989Tyr)

Genes: ANK2 (ankyrin 2; plus strand), LOC126807136 (MED14-independent group 3 enhancer GRCh37_chr4:114274931-114276130; plus strand). Cytogenetic location: 4q26.
Variant type: single nucleotide variant.
Coding change: c.5966C>A on transcript NM_001148.6 (MANE Select); coding-DNA position 5966, C replaced by A.
Protein change: p.Ser1989Tyr; replaces serine 1989 with tyrosine.
Molecular consequence: missense variant. On other transcripts: intron variant (68).
Genome position (GRCh38, 1-based): chr4:113,354,584, C>A. VCF-style: chr4-113354584-C-A. GRCh37 (hg19) VCF-style: chr4-114275740-C-A.
Other names: c.1990+4335C>A (NM_001354279.2, NM_001354282.2); c.1975+4335C>A (NM_001354280.2); c.1954+4335C>A (NM_001354278.2, NM_001354281.2); c.826+4335C>A (NM_001386167.1); c.4471+4335C>A (NM_001354240.2, NM_001354241.2, NM_001386144.1); c.5732C>A, p.Ser1911Tyr (NM_001386142.1); c.2366C>A, p.Ser789Tyr (NM_001386166.1); c.6107C>A, p.Ser2036Tyr (NM_001386174.1); and 35 more; short protein forms S1911Y, S1989Y, S2036Y, S789Y, S2028Y.
Identifiers: ClinVar variation 4824188 (VCV004824188.1).